The following is an entry in ClinVar:

NM_003482.4(KMT2D):c.1300dup (p.Leu434fs)

Gene: KMT2D (lysine methyltransferase 2D; minus strand). Cytogenetic location: 12q13.12.
Variant type: Duplication.
Coding change: c.1300dup on transcript NM_003482.4 (MANE Select); coding-DNA position 1300, one base duplicated (C; older notation c.1300dupC).
Protein change: p.Leu434fs; shifts the reading frame from leucine 434.
Molecular consequence: frameshift variant.
Genome position (GRCh38, 1-based): chr12:49,052,383, G duplicated on the plus strand (C on the coding strand, the reverse complement: KMT2D is on the minus strand); the first of 6 consecutive G bases (chr12:49,052,383-49,052,388); duplicating any one gives the same sequence. VCF-style (leftmost placement, unchanged base first): chr12-49052382-A-AG. GRCh37 (hg19) VCF-style: chr12-49446165-A-AG.
Other names: c.1300dupC (NM_003482.3); short protein forms L434fs.
Identifiers: ClinVar variation 94163 (VCV000094163.7), dbSNP rs398123715, ClinGen allele CA222011.

ClinVar aggregate classification (germline): Pathogenic. Review status: criteria provided, multiple submitters, no conflicts (2 of 4 stars). 2 submissions from 2 submitters: Pathogenic (2). Last evaluated 2023-09-07.

Conditions:
Kabuki syndrome 1 (KABUK1). Also called: KMT2D-Related Kabuki Syndrome. Identifiers: Orphanet 2322, MedGen CN030661, MONDO:0007843, OMIM 147920.

Submissions (2):

Illumina Laboratory Services, Illumina
Classification: Pathogenic for Kabuki syndrome 1. Last evaluated: 2023-09-07. Review status: criteria provided, single submitter. Criteria: ICSLVariantClassificationCriteria RUGD 01 April 2020. Collection method: clinical testing. Allele origin: unknown.
Comment: The KMT2D c.1300dup p.(Leu434ProfsTer12) variant causes a shift in the protein reading frame that is predicted to result in premature termination of the protein. Loss of normal protein function through either protein truncation or nonsense-mediated mRNA decay is expected. To our knowledge, this variant has not been reported in the peer-reviewed literature. This variant is not observed in version 2.1.1 or version 3.1.2 of the Genome Aggregation Database. It was observed in a de novo state. Based on the available evidence, the c.1300dup p.(Leu434ProfsTer12) variant is classified as pathogenic for Kabuki syndrome.

Eurofins Ntd Llc (ga)
Classification: Pathogenic. Last evaluated: 2013-01-23. Review status: criteria provided, single submitter. Criteria: EGL Classification Definitions. Collection method: clinical testing. Allele origin: germline. Observed: 1 variant allele, 1 heterozygote.

Literature cited by the submitters: PubMed 23757202 (cited by Eurofins Ntd Llc (ga)).